The following is an entry in ClinVar:

ClinVar aggregate classification (germline): Likely pathogenic. Review status: criteria provided, multiple submitters, no conflicts (2 of 4 stars). 2 submissions from 2 submitters: Likely pathogenic (2). Last evaluated 2025-03-05.

Conditions:
Dilated cardiomyopathy 1G (CMD1G). Identifiers: Orphanet 154, MedGen C1858763, MONDO:0011400, OMIM 604145.
Autosomal recessive limb-girdle muscular dystrophy type 2J (LGMDR10). Also called: MUSCULAR DYSTROPHY, LIMB-GIRDLE, AUTOSOMAL RECESSIVE 10; Limb-girdle muscular dystrophy, type 2J. Identifiers: Orphanet 140922, MedGen C1837342, MONDO:0012127, OMIM 608807.

Submissions (2):

Labcorp Genetics (formerly Invitae), Labcorp
Classification: Likely pathogenic for Dilated cardiomyopathy 1G; Autosomal recessive limb-girdle muscular dystrophy type 2J. Last evaluated: 2025-03-05. Review status: criteria provided, single submitter. Criteria: Invitae Variant Classification Sherloc (09022015). Collection method: clinical testing. Allele origin: germline.
Comment: This sequence change creates a premature translational stop signal (p.Thr34250Lysfs*2) in the TTN gene. While this is not anticipated to result in nonsense mediated decay, it is expected to create a truncated TTN protein. This variant is not present in population databases (gnomAD no frequency). This variant has not been reported in the literature in individuals affected with TTN-related conditions. ClinVar contains an entry for this variant (Variation ID: 1298381). This variant is located in the M band of TTN (PMID: 25589632). Truncating variants in this region have been previously reported in individuals affected with autosomal dominant or autosomal recessive myopathy and muscular dystrophy (PMID: 18948003, 23975875, 24395473). Truncating variants in this region have also been identified in individuals affected with autosomal dominant dilated cardiomyopathy and/or cardio-related conditions (PMID: 27869827, 32964742, internal data). In summary, the currently available evidence indicates that the variant is pathogenic, but additional data are needed to prove that conclusively. Therefore, this variant has been classified as Likely Pathogenic.

MVZ Martinsried, Medicover Genetics
Classification: Likely pathogenic for Dilated cardiomyopathy 1G. Last evaluated: 2021-09-07. Review status: criteria provided, single submitter. Criteria: ACGS Guidelines, 2020. Collection method: clinical testing. Allele origin: unknown. Affected: yes.

Literature cited by the submitters: PubMed 25589632 (cited by Labcorp Genetics (formerly Invitae), Labcorp); PubMed 18948003 (cited by Labcorp Genetics (formerly Invitae), Labcorp); PubMed 23975875 (cited by Labcorp Genetics (formerly Invitae), Labcorp); PubMed 24395473 (cited by Labcorp Genetics (formerly Invitae), Labcorp); PubMed 27869827 (cited by Labcorp Genetics (formerly Invitae), Labcorp); PubMed 32964742 (cited by Labcorp Genetics (formerly Invitae), Labcorp).

NM_001267550.2(TTN):c.102749del (p.Thr34250fs)

Genes: TTN-AS1 (TTN antisense RNA 1; plus strand), TTN (titin; minus strand). Cytogenetic location: 2q31.2.
Variant type: Deletion.
Coding change: c.102749del on transcript NM_001267550.2 (MANE Select); coding-DNA position 102749, one base deleted (C; older notation c.102749delC).
Protein change: p.Thr34250fs; shifts the reading frame from threonine 34250.
Molecular consequence: frameshift variant.
Genome position (GRCh38, 1-based): chr2:178,533,866, G deleted on the plus strand (C on the coding strand, the reverse complement: TTN is on the minus strand). VCF-style (leftmost placement, unchanged base first): chr2-178533865-TG-T. GRCh37 (hg19) VCF-style: chr2-179398592-TG-T.
Other names: c.95045del, p.Thr31682fs (NM_133378.4); c.75929del, p.Thr25310fs (NM_133432.3); c.76130del, p.Thr25377fs (NM_133437.4); c.97826del, p.Thr32609fs (NM_001256850.1); c.75554del, p.Thr25185fs (NM_003319.4); c.102749delC (NM_001267550.2); short protein forms T25185fs, T25310fs, T25377fs, T31682fs, T32609fs, T34250fs.
Identifiers: ClinVar variation 1298381 (VCV001298381.4), dbSNP rs2154135490, ClinGen allele CA2499215281.